The following is an entry in ClinVar:

NM_001258392.3(CLPB):c.1561-13C>G

Gene: CLPB (ClpB family mitochondrial disaggregase; minus strand). Cytogenetic location: 11q13.4.
Variant type: single nucleotide variant.
Coding change: c.1561-13C>G on transcript NM_001258392.3 (MANE Select); 13 bases into the intron before coding-DNA position 1561, C replaced by G.
Molecular consequence: intron variant.
Genome position (GRCh38, 1-based): chr11:72,294,457, G>C on the plus strand (C>G on the coding strand, the complement: CLPB is on the minus strand). VCF-style: chr11-72294457-G-C. GRCh37 (hg19) VCF-style: chr11-72005501-G-C.
Other names: c.1474-13C>G (NM_001258393.3); c.1651-13C>G (NM_030813.6); c.1516-13C>G (NM_001258394.3).
Identifiers: ClinVar variation 4741571 (VCV004741571.1).

ClinVar aggregate classification (germline): Uncertain significance (1 of 4 stars; one submission).

Conditions:
3-methylglutaconic aciduria, type VIIB (MGCA7B). Also called: CLPB Deficiency; 3-methylglutaconic aciduria, type VII, with cataracts, neurologic involvement and neutropenia; 3-methylglutaconic aciduria with cataracts, neurologic involvement and neutropenia. Identifiers: Orphanet 445038, MedGen C5676893, MONDO:0014561, OMIM 616271.

gnomAD v4.1: 18 of 1,614,042 alleles (0.0011%); highest among the groups gnomAD compares: African/African-American, 0.019%; no homozygotes.

Submission:

Labcorp Genetics (formerly Invitae), Labcorp
Classification: Uncertain significance for 3-methylglutaconic aciduria, type VIIB. Last evaluated: 2025-06-15. Review status: criteria provided, single submitter. Criteria: Invitae Variant Classification Sherloc (09022015). Collection method: clinical testing. Allele origin: germline.
Comment: This sequence change falls in intron 14 of the CLPB gene. It does not directly change the encoded amino acid sequence of the CLPB protein. This variant is present in population databases (rs570946878, gnomAD 0.03%). This variant has not been reported in the literature in individuals affected with CLPB-related conditions. Algorithms developed to predict the effect of sequence changes on RNA splicing suggest that this variant may disrupt the consensus splice site. In summary, the available evidence is currently insufficient to determine the role of this variant in disease. Therefore, it has been classified as a Variant of Uncertain Significance.